The following is an entry in ClinVar:

ClinVar aggregate classification (germline): Conflicting classifications of pathogenicity. Review status: criteria provided, conflicting classifications (1 of 4 stars). 12 submissions from 12 submitters: Uncertain significance (1); Benign (3); Likely benign (8). Last evaluated 2026-01-19.

Conditions:
Breast and/or ovarian cancer. Identifiers: MedGen CN221562.
Hereditary cancer-predisposing syndrome. Also called: Tumor predisposition; Neoplastic Syndromes, Hereditary; Hereditary Cancer Syndrome; Hereditary neoplastic syndrome. Identifiers: Orphanet 140162, MedGen C0027672, MeSH D009386, MONDO:0015356.
Familial cancer of breast. Also called: hereditary breast carcinoma; BREAST CANCER, FAMILIAL; Hereditary breast cancer. Identifiers: Orphanet 227535, MedGen C0346153, MONDO:0016419, OMIM 114480. Disease mechanism: loss of function.

Allele frequency attached by ClinVar (database versions not stated): ExAC 0.00012; ESP Exome Variant Server 0.00025; TOPMed 0.00045; gnomAD 0.00046 and 0.00050; 1000 Genomes Project 30x 0.00047; 1000 Genomes Project 0.00060.
gnomAD v4.1: 168 of 1,612,482 alleles (0.01%); highest among the groups gnomAD compares: African/African-American, 0.14%; 1 homozygote.

Submissions (12):

Labcorp Genetics (formerly Invitae), Labcorp
Classification: Benign for Familial cancer of breast. Last evaluated: 2026-01-19. Review status: criteria provided, single submitter. Criteria: Invitae Variant Classification Sherloc (09022015). Collection method: clinical testing. Allele origin: germline.

CeGaT Center for Human Genetics Tuebingen
Classification: Likely benign. Last evaluated: 2025-10-01. Review status: criteria provided, single submitter. Criteria: CeGaT Center For Human Genetics Tuebingen Variant Classification Criteria Version 2. Collection method: clinical testing. Allele origin: germline. Affected: yes. Observed: 1 variant allele.
Comment: BARD1: BP4, BP7

Myriad Genetics, Inc.
Classification: Benign for Familial cancer of breast. Last evaluated: 2024-07-18. Review status: criteria provided, single submitter. Criteria: Myriad Autosomal Dominant, Autosomal Recessive and X-Linked Classification Criteria (2023). Collection method: clinical testing. Allele origin: unknown.
Comment: This variant is considered benign. This variant is a silent/synonymous amino acid change and it is not expected to impact splicing.

Blueprint Genetics
Classification: Likely benign. Last evaluated: 2023-12-16. Review status: criteria provided, single submitter. Criteria: ACMG Guidelines, 2015. Collection method: clinical testing. Allele origin: germline.

Quest Diagnostics Nichols Institute San Juan Capistrano
Classification: Benign. Last evaluated: 2023-05-19. Review status: criteria provided, single submitter. Criteria: Quest Diagnostics criteria. Collection method: clinical testing. Allele origin: unknown.

CHEO Genetics Diagnostic Laboratory, Children's Hospital of Eastern Ontario
Classification: Likely benign for Breast and/or ovarian cancer. Last evaluated: 2022-11-18. Review status: criteria provided, single submitter. Criteria: ACMG Guidelines, 2015. Collection method: clinical testing. Allele origin: germline.

GeneDx
Classification: Likely benign. Last evaluated: 2021-02-12. Review status: criteria provided, single submitter. Criteria: GeneDx Variant Classification Process June 2021. Collection method: clinical testing. Allele origin: germline. Affected: yes.
Comment: Has not been previously published as pathogenic or benign to our knowledge; In silico analysis supports that this variant does not alter splicing

Sema4
Classification: Likely benign for Hereditary cancer-predisposing syndrome. Last evaluated: 2020-12-01. Review status: criteria provided, single submitter. Criteria: Sema4 Curation Guidelines. Collection method: curation. Allele origin: germline.

Women's Health and Genetics/Laboratory Corporation of America, LabCorp
Classification: Likely benign. Last evaluated: 2017-05-15. Review status: criteria provided, single submitter. Criteria: LabCorp Variant Classification Summary - May 2015. Collection method: clinical testing. Allele origin: germline.
Comment: Variant summary: The BARD1 c.144G>A (p.Leu48Leu) variant involves the alteration of a non-conserved nucleotide, resulting in a synonymous change. Mutation taster predicts a damaging outcome for this variant and ESE finder predicts that this variant may abrogate the binding sites for SRp55 and SF2/ASF. However, 5/5 splice prediction tools predict no significant impact on normal splicing. These predictions have not been confirmed by functional studies. The variant of interest has been found in large and broad control population from ExAC in 13/107980 control chromosomes, predominantly observed in the African subpopulation at a frequency of 0.001326 (10/7544). This frequency is about 6 times the estimated maximal expected allele frequency of a pathogenic BARD1 variant (0.0002188), suggesting this is likely a benign polymorphism found primarily in the populations of African origin. In ClinVar, while two clinical laboratories classify it as likely benign, one classifies it as uncertain significance. The variant of interest has not been reported in affected individuals via publications. Taken together, this variant is currently classified as Likely Benign.

Institute for Biomarker Research, Medical Diagnostic Laboratories, L.L.C.
Classification: Uncertain significance for Hereditary cancer-predisposing syndrome. Last evaluated: 2017-02-14. Review status: criteria provided, single submitter. Criteria: ACMG Guidelines, 2015. Collection method: clinical testing. Allele origin: germline.

Color Diagnostics, LLC DBA Color Health
Classification: Likely benign for Hereditary cancer-predisposing syndrome. Last evaluated: 2016-01-06. Review status: criteria provided, single submitter. Criteria: ACMG Guidelines, 2015. Collection method: clinical testing. Allele origin: germline.

Ambry Genetics
Classification: Likely benign for Hereditary cancer-predisposing syndrome. Last evaluated: 2014-10-05. Review status: criteria provided, single submitter. Criteria: Ambry Variant Classification Scheme 2023. Collection method: clinical testing. Allele origin: germline.

NM_000465.4(BARD1):c.144G>A (p.Leu48=)

Gene: BARD1 (BRCA1 associated RING domain 1; minus strand). Cytogenetic location: 2q35.
Variant type: single nucleotide variant.
Coding change: c.144G>A on transcript NM_000465.4 (MANE Select); coding-DNA position 144, G replaced by A.
Protein change: p.Leu48=; no amino-acid change (leucine 48 retained).
Molecular consequence: synonymous variant. On other transcripts: non-coding transcript variant (3).
Genome position (GRCh38, 1-based): chr2:214,809,426, C>T on the plus strand (G>A on the coding strand, the complement: BARD1 is on the minus strand). VCF-style: chr2-214809426-C-T. GRCh37 (hg19) VCF-style: chr2-215674150-C-T.
Other names: c.144G>A, p.Leu48= (NM_001282543.2, NM_001282545.2, NM_001282548.2 and 1 more transcripts).
Identifiers: ClinVar variation 184583 (VCV000184583.33), dbSNP rs151168457, ClinGen allele CA333850.